The following is an entry in ClinVar:

NM_002156.5(HSPD1):c.968C>G (p.Ala323Gly)

Gene: HSPD1 (heat shock protein family D (Hsp60) member 1; minus strand). Cytogenetic location: 2q33.1.
Variant type: single nucleotide variant.
Coding change: c.968C>G on transcript NM_002156.5 (MANE Select); coding-DNA position 968, C replaced by G.
Protein change: p.Ala323Gly; replaces alanine 323 with glycine.
Molecular consequence: missense variant.
Genome position (GRCh38, 1-based): chr2:197,490,198, G>C on the plus strand (C>G on the coding strand, the complement: HSPD1 is on the minus strand). VCF-style: chr2-197490198-G-C. GRCh37 (hg19) VCF-style: chr2-198354922-G-C.
Other names: c.968C>G, p.Ala323Gly (NM_199440.2); short protein forms A323G.
Identifiers: ClinVar variation 2697452 (VCV002697452.3), dbSNP rs1486511082, ClinGen allele CA350200268.
Genomic context (GRCh38, chr2:197,490,198, plus strand): 5'-TATAAATTCCAGACAAGTATAAACATTCAGCAAACCATTATCACATTTATTTTACTTACT[G>C]CACCACCAGTAGCAATAGCCATATCTTTAAGCTGGTTCTTTCTATTGTCACCAAACCCTG-3'
Protein context (NP_002147.2, residues 313-333): LKDMAIATGG[Ala323Gly]VFGEEGLTLN

ClinVar aggregate classification (germline): Uncertain significance (1 of 4 stars; one submission).

Conditions:
Spastic paraplegia. Identifiers: MedGen C0037772, HP:0001258.

Submission:

Labcorp Genetics (formerly Invitae), Labcorp
Classification: Uncertain significance for Spastic paraplegia. Last evaluated: 2023-11-27. Review status: criteria provided, single submitter. Criteria: Invitae Variant Classification Sherloc (09022015). Collection method: clinical testing. Allele origin: germline.
Comment: This sequence change replaces alanine, which is neutral and non-polar, with glycine, which is neutral and non-polar, at codon 323 of the HSPD1 protein (p.Ala323Gly). This variant is not present in population databases (gnomAD no frequency). This variant has not been reported in the literature in individuals affected with HSPD1-related conditions. An algorithm developed to predict the effect of missense changes on protein structure and function (PolyPhen-2) suggests that this variant is likely to be tolerated. In summary, the available evidence is currently insufficient to determine the role of this variant in disease. Therefore, it has been classified as a Variant of Uncertain Significance.